The following is an entry in ClinVar:

NM_000481.4(AMT):c.230C>A (p.Ser77Ter)

Gene: AMT (aminomethyltransferase; minus strand). Cytogenetic location: 3p21.31.
Variant type: single nucleotide variant.
Coding change: c.230C>A on transcript NM_000481.4 (MANE Select); coding-DNA position 230, C replaced by A.
Protein change: p.Ser77Ter; replaces serine 77 with a stop codon.
Molecular consequence: nonsense. On other transcripts: non-coding transcript variant (1), intron variant (1).
Genome position (GRCh38, 1-based): chr3:49,422,132, G>T on the plus strand (C>A on the coding strand, the complement: AMT is on the minus strand). VCF-style: chr3-49422132-G-T. GRCh37 (hg19) VCF-style: chr3-49459565-G-T.
Other names: c.230C>A, p.Ser77Ter (NM_001164710.2, NM_001164712.2); c.90+229C>A (NM_001164711.2); short protein forms S77*.
Identifiers: ClinVar variation 1343486 (VCV001343486.1), dbSNP rs386833680, ClinGen allele CA352791069.

ClinVar aggregate classification (germline): Likely pathogenic (1 of 4 stars; one submission).

Conditions:
Glycine encephalopathy. Also called: Non-ketotic hyperglycinemia; Nonketotic hyperglycinemia. Identifiers: Orphanet 407, MedGen C0751748, MONDO:0011612, HP:0008288.

Submission:

Women's Health and Genetics/Laboratory Corporation of America, LabCorp
Classification: Likely pathogenic for Glycine encephalopathy. Last evaluated: 2022-02-21. Review status: criteria provided, single submitter. Criteria: LabCorp Variant Classification Summary - May 2015. Collection method: clinical testing. Allele origin: germline.
Comment: Variant summary: AMT c.230C>A (p.Ser77X) results in a premature termination codon, predicted to cause a truncation of the encoded protein or absence of the protein due to nonsense mediated decay, which are commonly known mechanisms for disease. Truncations downstream of this position have been classified as pathogenic by our laboratory. The variant was absent in 251186 control chromosomes (gnomAD). To our knowledge, no occurrence of c.230C>A in individuals affected with Glycine Encephalopathy (Non-Ketotic Hyperglycinemia) and no experimental evidence demonstrating its impact on protein function have been reported. No clinical diagnostic laboratories have submitted clinical-significance assessments for this variant to ClinVar after 2014. Based on the evidence outlined above, the variant was classified as likely pathogenic.